The following is an entry in ClinVar:

NM_004369.4(COL6A3):c.9358A>G (p.Thr3120Ala)

Genes: COL6A3 (collagen type VI alpha 3 chain; minus strand), LOC126806573 (CDK7 strongly-dependent group 2 enhancer GRCh37_chr2:238233151-238234350; plus strand). Cytogenetic location: 2q37.3.
Variant type: single nucleotide variant.
Coding change: c.9358A>G on transcript NM_004369.4 (MANE Select); coding-DNA position 9358, A replaced by G.
Protein change: p.Thr3120Ala; replaces threonine 3120 with alanine.
Molecular consequence: missense variant.
Genome position (GRCh38, 1-based): chr2:237,325,695, T>C on the plus strand (A>G on the coding strand, the complement: COL6A3 is on the minus strand). VCF-style: chr2-237325695-T-C. GRCh37 (hg19) VCF-style: chr2-238234338-T-C.
Other names: c.7537A>G, p.Thr2513Ala (NM_057166.5); c.8740A>G, p.Thr2914Ala (NM_057167.4); short protein forms T3120A, T2914A, T2513A.
Identifiers: ClinVar variation 1943874 (VCV001943874.5), dbSNP rs141050617, ClinGen allele CA351185666.
Genomic context (GRCh38, chr2:237,325,695, plus strand): 5'-ATCTTGCACAGCTTTTGGTGTTTGGATCATAGTACCATTTTAATATGAAATCCCTGCAAG[T>C]TCCTTCGTCTTTCGGCAACTTGCATATATCTTTAATAAAAACATGAGAAAAGGATATTAA-3'
Protein context (NP_004360.2, residues 3110-3130): DICKLPKDEG[Thr3120Ala]CRDFILKWYY

ClinVar aggregate classification (germline): Uncertain significance (1 of 4 stars; one submission).

Conditions:
Bethlem myopathy 1A. Also called: MYOPATHY, BENIGN CONGENITAL, WITH CONTRACTURES; Bethlem myopathy 1; Bethlem Muscular Dystrophy. Identifiers: Orphanet 610, MedGen CN029274, MONDO:0024530, OMIM 158810.

Submission:

Labcorp Genetics (formerly Invitae), Labcorp
Classification: Uncertain significance for Bethlem myopathy 1A. Last evaluated: 2023-08-04. Review status: criteria provided, single submitter. Criteria: Invitae Variant Classification Sherloc (09022015). Collection method: clinical testing. Allele origin: germline.
Comment: This variant is not present in population databases (gnomAD no frequency). In summary, the available evidence is currently insufficient to determine the role of this variant in disease. Therefore, it has been classified as a Variant of Uncertain Significance. Advanced modeling of protein sequence and biophysical properties (such as structural, functional, and spatial information, amino acid conservation, physicochemical variation, residue mobility, and thermodynamic stability) performed at Invitae indicates that this missense variant is not expected to disrupt COL6A3 protein function. ClinVar contains an entry for this variant (Variation ID: 1943874). This variant has not been reported in the literature in individuals affected with COL6A3-related conditions. This sequence change replaces threonine, which is neutral and polar, with alanine, which is neutral and non-polar, at codon 3120 of the COL6A3 protein (p.Thr3120Ala).